The following is an entry in ClinVar:

NM_006206.6(PDGFRA):c.3118C>T (p.His1040Tyr)

Gene: PDGFRA (platelet derived growth factor receptor alpha; plus strand). Cytogenetic location: 4q12.
Variant type: single nucleotide variant.
Coding change: c.3118C>T on transcript NM_006206.6 (MANE Select); coding-DNA position 3118, C replaced by T.
Protein change: p.His1040Tyr; replaces histidine 1040 with tyrosine.
Molecular consequence: missense variant.
Genome position (GRCh38, 1-based): chr4:54,290,550, C>T. VCF-style: chr4-54290550-C-T. GRCh37 (hg19) VCF-style: chr4-55156717-C-T.
Other names: c.3193C>T, p.His1065Tyr (NM_001347828.2); c.3118C>T, p.His1040Tyr (NM_001347829.2); c.3157C>T, p.His1053Tyr (NM_001347830.2); short protein forms H1040Y, H1065Y, H1053Y.
Identifiers: ClinVar variation 1727819 (VCV001727819.5), dbSNP rs2475567125, ClinGen allele CA356896415.

ClinVar aggregate classification (germline): Uncertain significance. Review status: criteria provided, multiple submitters, no conflicts (2 of 4 stars). 2 submissions from 2 submitters: Uncertain significance (2). Last evaluated 2023-09-30.

Conditions:
Hereditary cancer-predisposing syndrome. Also called: Tumor predisposition; Neoplastic Syndromes, Hereditary; Hereditary Cancer Syndrome; Hereditary neoplastic syndrome. Identifiers: Orphanet 140162, MedGen C0027672, MeSH D009386, MONDO:0015356.
Gastrointestinal stromal tumor. Also called: Gastrointestinal stroma tumor; Gastrointestinal stromal tumor, somatic. Identifiers: Orphanet 44890, MedGen C0238198, MeSH D046152, MONDO:0011719, OMIM 606764, HP:0100723.

Submissions (2):

Labcorp Genetics (formerly Invitae), Labcorp
Classification: Uncertain significance for Gastrointestinal stromal tumor. Last evaluated: 2023-09-30. Review status: criteria provided, single submitter. Criteria: Invitae Variant Classification Sherloc (09022015). Collection method: clinical testing. Allele origin: germline.
Comment: This variant is not present in population databases (gnomAD no frequency). This variant has not been reported in the literature in individuals affected with PDGFRA-related conditions. ClinVar contains an entry for this variant (Variation ID: 1727819). Advanced modeling of protein sequence and biophysical properties (such as structural, functional, and spatial information, amino acid conservation, physicochemical variation, residue mobility, and thermodynamic stability) performed at Invitae indicates that this missense variant is not expected to disrupt PDGFRA protein function. In summary, the available evidence is currently insufficient to determine the role of this variant in disease. Therefore, it has been classified as a Variant of Uncertain Significance. This sequence change replaces histidine, which is basic and polar, with tyrosine, which is neutral and polar, at codon 1040 of the PDGFRA protein (p.His1040Tyr).

Ambry Genetics
Classification: Uncertain significance for Hereditary cancer-predisposing syndrome. Last evaluated: 2021-12-15. Review status: criteria provided, single submitter. Criteria: Ambry Variant Classification Scheme 2023. Collection method: clinical testing. Allele origin: germline.
Comment: The p.H1040Y variant (also known as c.3118C>T), located in coding exon 21 of the PDGFRA gene, results from a C to T substitution at nucleotide position 3118. The histidine at codon 1040 is replaced by tyrosine, an amino acid with similar properties. This amino acid position is conserved. In addition, the in silico prediction for this alteration is inconclusive. Since supporting evidence is limited at this time, the clinical significance of this alteration remains unclear.